The following is an entry in ClinVar:

ClinVar aggregate classification (germline): Uncertain significance (1 of 4 stars; one submission).

Conditions:
Microphthalmia, isolated, with coloboma 6 (MCOPCB6). Also called: MICROPHTHALMIA/COLOBOMA 6; Microphthalmia with coloboma 6, digenic; Microphthalmia with coloboma 6. Identifiers: Orphanet 98938, MedGen C3150968, MONDO:0013376, OMIM 613703.
Leber congenital amaurosis 17 (LCA17). Identifiers: Orphanet 65, MedGen C3715164, MONDO:0014145, OMIM 615360.
Klippel-Feil syndrome 1, autosomal dominant (KFS1). Also called: CERVICAL VERTEBRAL FUSION, AUTOSOMAL DOMINANT. Identifiers: Orphanet 2345, MedGen C1861689, MONDO:0007306, OMIM 118100.
Isolated microphthalmia 4. Identifiers: Orphanet 2542, MedGen C2751307, MONDO:0013130, OMIM 613094.

Submission:

Labcorp Genetics (formerly Invitae), Labcorp
Classification: Uncertain significance for Isolated microphthalmia 4; Leber congenital amaurosis 17; Klippel-Feil syndrome 1, autosomal dominant; Microphthalmia, isolated, with coloboma 6. Last evaluated: 2023-11-27. Review status: criteria provided, single submitter. Criteria: Invitae Variant Classification Sherloc (09022015). Collection method: clinical testing. Allele origin: germline.
Comment: This sequence change replaces arginine, which is basic and polar, with histidine, which is basic and polar, at codon 294 of the GDF6 protein (p.Arg294His). This variant is not present in population databases (gnomAD no frequency). This variant has not been reported in the literature in individuals affected with GDF6-related conditions. ClinVar contains an entry for this variant (Variation ID: 1374994). Advanced modeling of protein sequence and biophysical properties (such as structural, functional, and spatial information, amino acid conservation, physicochemical variation, residue mobility, and thermodynamic stability) performed at Invitae indicates that this missense variant is not expected to disrupt GDF6 protein function with a negative predictive value of 80%. In summary, the available evidence is currently insufficient to determine the role of this variant in disease. Therefore, it has been classified as a Variant of Uncertain Significance.

NM_001001557.4(GDF6):c.881G>A (p.Arg294His)

Gene: GDF6 (growth differentiation factor 6; minus strand). Cytogenetic location: 8q22.1.
Variant type: single nucleotide variant.
Coding change: c.881G>A on transcript NM_001001557.4 (MANE Select); coding-DNA position 881, G replaced by A.
Protein change: p.Arg294His; replaces arginine 294 with histidine.
Molecular consequence: missense variant.
Genome position (GRCh38, 1-based): chr8:96,145,050, C>T on the plus strand (G>A on the coding strand, the complement: GDF6 is on the minus strand). VCF-style: chr8-96145050-C-T. GRCh37 (hg19) VCF-style: chr8-97157278-C-T.
Other names: short protein forms R294H.
Identifiers: ClinVar variation 1374994 (VCV001374994.6), dbSNP rs2130206472, ClinGen allele CA371751602.